The following is an entry in ClinVar:

ClinVar aggregate classification (germline): Uncertain significance. Review status: criteria provided, multiple submitters, no conflicts (2 of 4 stars). 2 submissions from 2 submitters: Uncertain significance (2). Last evaluated 2024-06-03.

Conditions:
Congenital afibrinogenemia. Identifiers: Orphanet 335, Orphanet 98880, MedGen C2584774, MONDO:0008737, OMIM 202400.

gnomAD v4.1: 109 of 1,613,952 alleles (0.0068%); highest among the groups gnomAD compares: Non-Finnish European, 0.0086%; no homozygotes.

Submissions (2):

Mayo Clinic Laboratories, Mayo Clinic
Classification: Uncertain significance. Last evaluated: 2024-06-03. Review status: criteria provided, single submitter. Criteria: ACMG Guidelines, 2015. Collection method: clinical testing. Allele origin: germline. Observed: 1 variant allele.
Comment: BP4, PP4, PM1_supporting, PM2_moderate

Department of Pathology and Laboratory Medicine, Sinai Health System
Classification: Uncertain significance for Congenital afibrinogenemia. Last evaluated: 2023-03-09. Review status: criteria provided, single submitter. Criteria: ACMG Guidelines, 2015. Collection method: research. Allele origin: germline.

Literature cited by the submitters: PubMed 12695754 (cited by Mayo Clinic Laboratories, Mayo Clinic); PubMed 29178990 (cited by Mayo Clinic Laboratories, Mayo Clinic).

NM_021870.3(FGG):c.1161T>G (p.Asn387Lys)

Gene: FGG (fibrinogen gamma chain; minus strand). Cytogenetic location: 4q32.1.
Variant type: single nucleotide variant.
Coding change: c.1161T>G on transcript NM_021870.3 (MANE Select); coding-DNA position 1161, T replaced by G.
Protein change: p.Asn387Lys; replaces asparagine 387 with lysine.
Molecular consequence: missense variant.
Genome position (GRCh38, 1-based): chr4:154,605,035, A>C on the plus strand (T>G on the coding strand, the complement: FGG is on the minus strand). VCF-style: chr4-154605035-A-C. GRCh37 (hg19) VCF-style: chr4-155526187-A-C.
Other names: p.Asn387Lys; c.1161T>G, p.Asn387Lys (NM_000509.6); short protein forms N387K.
Identifiers: ClinVar variation 3379567 (VCV003379567.2).